The following is an entry in ClinVar:

NM_020457.3(THAP11):c.351GCA[3] (p.Gln131_Gln132del)

Genes: CENPT (centromere protein T; minus strand), THAP11 (THAP domain containing 11; plus strand). Cytogenetic location: 16q22.1.
Variant type: Microsatellite.
Coding change: c.351GCA[3] on transcript NM_020457.3 (MANE Select); three copies in a row of the 3-base unit GCA starting at c.351; the reference has five copies in a row; two copies, 6 bases deleted.
Protein change: p.Gln131_Gln132del.
Molecular consequence: inframe deletion. On other transcripts: intron variant (1).
Genome position (GRCh38, 1-based): chr16:67,842,914-67,842,919, GCAGCA deleted; deleting any 6 consecutive bases within chr16:67,842,903-67,842,919 gives the same sequence; the position shown is the placement nearest the transcript's 3' end. VCF-style (leftmost placement, unchanged base first): chr16-67842902-ACAGCAG-A. GRCh37 (hg19) VCF-style: chr16-67876805-ACAGCAG-A.
Other names: c.-492+4484CTG[3] (NM_025082.4).
Identifiers: ClinVar variation 2081490 (VCV002081490.11), dbSNP rs955056927, ClinGen allele CA8118209.
Genomic context (GRCh38, chr16:67,842,902, plus strand): 5'-GGCCGCGGCCGCCCGCCGCAGGCAGCAGCAGCAACAGCAGCAGCAGCAGCAACAGCAGCA[ACAGCAG>A]CAGCAGCAGCAACAGCAGCAGCAGCAGCAGCAGCAGCAGCAGTCCTCACCCTCTGCCTCC-3'

ClinVar aggregate classification (germline): Conflicting classifications of pathogenicity. Review status: criteria provided, conflicting classifications (1 of 4 stars). 2 submissions from 2 submitters: Uncertain significance (1); Likely benign (1). Last evaluated 2025-09-03.

Submissions (2):

Labcorp Genetics (formerly Invitae), Labcorp
Classification: Likely benign. Last evaluated: 2025-09-03. Review status: criteria provided, single submitter. Criteria: Invitae Variant Classification Sherloc (09022015). Collection method: clinical testing. Allele origin: germline.

CeGaT Center for Human Genetics Tuebingen
Classification: Uncertain significance. Last evaluated: 2025-09-01. Review status: criteria provided, single submitter. Criteria: CeGaT Center For Human Genetics Tuebingen Variant Classification Criteria Version 2. Collection method: clinical testing. Allele origin: germline. Affected: yes. Observed: 1 variant allele.
Comment: THAP11: PM2